The following is an entry in ClinVar:

ClinVar aggregate classification (germline): Conflicting classifications of pathogenicity. Review status: criteria provided, conflicting classifications (1 of 4 stars). 2 submissions from 2 submitters: Uncertain significance (1); Likely benign (1). Last evaluated 2026-07-10.

Conditions:
Neurofibromatosis, type 1 (NF1). Also called: VON RECKLINGHAUSEN DISEASE; Peripheral type neurofibromatosis; NEUROFIBROMATOSIS, TYPE I, SOMATIC; Neurofibromatosis, type I. Identifiers: Orphanet 636, MedGen C0027831, MONDO:0018975, OMIM 162200. Disease mechanism: loss of function.
Cardiovascular phenotype. Identifiers: MedGen CN230736.
Hereditary cancer-predisposing syndrome. Also called: Hereditary Cancer Syndrome; Hereditary neoplastic syndrome; Neoplastic Syndromes, Hereditary; Tumor predisposition. Identifiers: Orphanet 140162, MedGen C0027672, MeSH D009386, MONDO:0015356.

Submissions (2):

Ambry Genetics
Classification: Likely benign for Cardiovascular phenotype; Hereditary cancer-predisposing syndrome. Last evaluated: 2026-07-10. Review status: criteria provided, single submitter. Criteria: Ambry Variant Classification Scheme 2023. Collection method: clinical testing. Allele origin: germline.

Labcorp Genetics (formerly Invitae), Labcorp
Classification: Uncertain significance for Neurofibromatosis, type 1. Last evaluated: 2025-06-22. Review status: criteria provided, single submitter. Criteria: Invitae Variant Classification Sherloc (09022015). Collection method: clinical testing. Allele origin: germline.
Comment: This sequence change replaces lysine, which is basic and polar, with arginine, which is basic and polar, at codon 2815 of the NF1 protein (p.Lys2815Arg). This variant is not present in population databases (gnomAD no frequency). This variant has not been reported in the literature in individuals affected with NF1-related conditions. Invitae Evidence Modeling of protein sequence and biophysical properties (such as structural, functional, and spatial information, amino acid conservation, physicochemical variation, residue mobility, and thermodynamic stability) has been performed for this missense variant. However, the output from this modeling did not meet the statistical confidence thresholds required to predict the impact of this variant on NF1 protein function. In summary, the available evidence is currently insufficient to determine the role of this variant in disease. Therefore, it has been classified as a Variant of Uncertain Significance.

NM_001042492.3(NF1):c.8507A>G (p.Lys2836Arg)

Gene: NF1 (neurofibromin 1; plus strand). Cytogenetic location: 17q11.2.
Variant type: single nucleotide variant.
Coding change: c.8507A>G on transcript NM_001042492.3 (MANE Select); coding-DNA position 8507, A replaced by G.
Protein change: p.Lys2836Arg; replaces lysine 2836 with arginine.
Molecular consequence: missense variant.
Genome position (GRCh38, 1-based): chr17:31,374,142, A>G. VCF-style: chr17-31374142-A-G. GRCh37 (hg19) VCF-style: chr17-29701160-A-G.
Other names: c.8444A>G, p.Lys2815Arg (NM_000267.4); short protein forms K2815R, K2836R.
Identifiers: ClinVar variation 4800819 (VCV004800819.2).